The following is an entry in ClinVar:

ClinVar aggregate classification (germline): Uncertain significance (1 of 4 stars; one submission).

Submission:

Dasa
Classification: Uncertain significance. Last evaluated: 2025-11-12. Review status: criteria provided, single submitter. Criteria: DASA Assertion Criteria. Collection method: clinical testing. Allele origin: germline.
Comment: NM_004628.5(XPC):c.1221C>A (p.Asp407Glu) is a missense variant that results in the substitution of aspartic acid with glutamic acid. This variant is absent from population databases. Computational prediction algorithms are consistent with a benign effect. The currently available literature and clinical evidence are not sufficient to establish a definitive association between this variant and the reported condition. Therefore, this variant is classified as a variant of uncertain significance.

NM_004628.5(XPC):c.1221C>A (p.Asp407Glu)

Gene: XPC (XPC complex subunit, DNA damage recognition and repair factor; minus strand). Cytogenetic location: 3p25.1.
Variant type: single nucleotide variant.
Coding change: c.1221C>A on transcript NM_004628.5 (MANE Select); coding-DNA position 1221, C replaced by A.
Protein change: p.Asp407Glu; replaces aspartic acid 407 with glutamic acid.
Molecular consequence: missense variant. On other transcripts: non-coding transcript variant (2).
Genome position (GRCh38, 1-based): chr3:14,158,662, G>T on the plus strand (C>A on the coding strand, the complement: XPC is on the minus strand). VCF-style: chr3-14158662-G-T. GRCh37 (hg19) VCF-style: chr3-14200162-G-T.
Other names: c.642C>A, p.Asp214Glu (NM_001354726.2); c.1221C>A, p.Asp407Glu (NM_001354727.2, NM_001354730.2); c.1203C>A, p.Asp401Glu (NM_001354729.2); short protein forms D214E, D401E, D407E.
Identifiers: ClinVar variation 4885437 (VCV004885437.2).
Genomic context (GRCh38, chr3:14,158,662, plus strand): 5'-CCTGGAGGCCACCCGCCGCTCCCGGCCATGCGGACGTCGCTGGGTTGCCTTCTCCTGCTT[G>T]TCTCCTGGGCCCTCATCTTCCTCGCTGGAGGAGGGCTTGCTCCGTTTCTTTCTGCCTCCC-3'
Protein context (NP_004619.3, residues 397-417): SSSEEDEGPG[Asp407Glu]KQEKATQRRP